The following is an entry in ClinVar:

NM_001101426.4(CRPPA):c.1186G>T (p.Glu396Ter)

Genes: CRPPA-AS1 (CRPPA antisense RNA 1; plus strand), CRPPA (CDP-L-ribitol pyrophosphorylase A; minus strand). Cytogenetic location: 7p21.2.
Variant type: single nucleotide variant.
Coding change: c.1186G>T on transcript NM_001101426.4 (MANE Select); coding-DNA position 1186, G replaced by T.
Protein change: p.Glu396Ter; replaces glutamic acid 396 with a stop codon.
Molecular consequence: nonsense. On other transcripts: non-coding transcript variant (1).
Genome position (GRCh38, 1-based): chr7:16,216,131, C>A on the plus strand (G>T on the coding strand, the complement: CRPPA is on the minus strand). VCF-style: chr7-16216131-C-A. GRCh37 (hg19) VCF-style: chr7-16255756-C-A.
Other names: c.1036G>T, p.Glu346Ter (NM_001101417.4); c.1081G>T, p.Glu361Ter (NM_001368197.1); short protein forms E396*, E346*, E361*.
Identifiers: ClinVar variation 283091 (VCV000283091.6), dbSNP rs886042554, ClinGen allele CA10604393.

ClinVar aggregate classification (germline): Pathogenic. Review status: criteria provided, multiple submitters, no conflicts (2 of 4 stars). 2 submissions from 2 submitters: Pathogenic (2). Last evaluated 2019-11-05.

Conditions:
Muscular dystrophy-dystroglycanopathy (congenital with brain and eye anomalies), type A, 7. Also called: WALKER-WARBURG SYNDROME OR MUSCLE-EYE-BRAIN DISEASE, ISPD-RELATED; Congenital muscular dystrophy-dystroglycanopathy with brain and eye anomalies, type A7. Identifiers: Orphanet 899, MedGen C3553330, MONDO:0013835, OMIM 614643.

Allele frequency attached by ClinVar (database versions not stated): TOPMed below 0.00001.

Submissions (2):

Baylor Genetics
Classification: Pathogenic for Muscular dystrophy-dystroglycanopathy (congenital with brain and eye anomalies), type A, 7. Last evaluated: 2019-11-05. Review status: criteria provided, single submitter. Criteria: ACMG Guidelines, 2015. Collection method: clinical testing. Allele origin: unknown. Affected: yes.
Comment: This variant was determined to be pathogenic according to ACMG Guidelines, 2015 [PMID:25741868].

Eurofins Ntd Llc (ga)
Classification: Pathogenic. Last evaluated: 2015-09-18. Review status: criteria provided, single submitter. Criteria: EGL Classification Definitions 2015. Collection method: clinical testing. Allele origin: germline. Observed: 1 variant allele, 1 heterozygote.

Literature cited by the submitters: PubMed 22522421 (cited by Eurofins Ntd Llc (ga)).